The following is an entry in ClinVar:

ClinVar aggregate classification (germline): Benign/Likely benign. Review status: criteria provided, multiple submitters, no conflicts (2 of 4 stars). 16 submissions from 15 submitters: Benign (8); Likely benign (6). 2 of the submissions do not count toward it. Last evaluated 2026-08-01.

Conditions:
Autosomal dominant childhood-onset proximal spinal muscular atrophy without contractures. Also called: KUGELBERG-WELANDER SYNDROME, AUTOSOMAL DOMINANT; SPINAL MUSCULAR ATROPHY, JUVENILE, PROXIMAL, AUTOSOMAL DOMINANT; Spinal muscular atrophy, lower extremity-predominant 1, AD; SPINAL MUSCULAR ATROPHY, CHILDHOOD, PROXIMAL, AUTOSOMAL DOMINANT. Identifiers: Orphanet 209341, Orphanet 363447, MedGen C5780022, MONDO:0008026, OMIM 158600.
Charcot-Marie-Tooth disease axonal type 2O. Also called: Charcot-Marie-Tooth Neuropathy Type 2O; CHARCOT-MARIE-TOOTH NEUROPATHY, AXONAL, TYPE 2O; CHARCOT-MARIE-TOOTH DISEASE, AXONAL, AUTOSOMAL DOMINANT, TYPE 2O; Charcot-Marie-Tooth disease, axonal, type 20. Identifiers: Orphanet 284232, MedGen C3280220, MONDO:0013644, OMIM 614228.
Cortical dysplasia, complex, with other brain malformations 13. Also called: Intellectual disability, autosomal dominant 13. Identifiers: MedGen C3281202, MONDO:0013805, OMIM 614563.
Autosomal dominant cerebellar ataxia. Also called: Spinocerebellar Ataxia, Dominant. Identifiers: Orphanet 99, MedGen C4087347, MONDO:0020380.
Inborn genetic diseases. Identifiers: MedGen C0950123, MeSH D030342.
Charcot-Marie-Tooth disease. Also called: Charcot-Marie-Tooth Neuropathy; Charcot-Marie-Tooth Hereditary Neuropathy. Identifiers: Orphanet 166, MedGen C0007959, MONDO:0015626.

Allele frequency attached by ClinVar (database versions not stated): 1000 Genomes Project 0.00060; 1000 Genomes Project 30x 0.00062; gnomAD exomes 0.00156 and 0.00262; gnomAD 0.00167 and 0.00175; ESP Exome Variant Server 0.00169; ExAC 0.00212; TOPMed 0.00215.
gnomAD v4.1: 4,066 of 1,611,054 alleles (0.25%); highest among the groups gnomAD compares: Non-Finnish European, 0.31%; 10 homozygotes.

Submissions (16):

CeGaT Center for Human Genetics Tuebingen
Classification: Likely benign. Last evaluated: 2026-08-01. Review status: criteria provided, single submitter. Criteria: CeGaT Center For Human Genetics Tuebingen Variant Classification Criteria Version 2. Collection method: clinical testing. Allele origin: germline. Affected: yes. Observed: 22 variant alleles.
Comment: DYNC1H1: BP4, BS1

Labcorp Genetics (formerly Invitae), Labcorp
Classification: Benign for Charcot-Marie-Tooth disease axonal type 2O. Last evaluated: 2026-02-03. Review status: criteria provided, single submitter. Criteria: Invitae Variant Classification Sherloc (09022015). Collection method: clinical testing. Allele origin: germline.

Athena Diagnostics
Classification: Benign. Last evaluated: 2025-09-05. Review status: criteria provided, single submitter. Criteria: Athena Diagnostics Criteria. Collection method: clinical testing. Allele origin: unknown.
Comment: The frequency of this variant in the general population is higher than would generally be expected for pathogenic variants in this gene. Computational tools yielded predictions that this variant is unlikely to have an effect on normal RNA splicing.

ARUP Laboratories, Molecular Genetics and Genomics, ARUP Laboratories
Classification: Benign. Last evaluated: 2025-04-15. Review status: criteria provided, single submitter. Criteria: ARUP Molecular Germline Variant Investigation Process 2024. Collection method: clinical testing. Allele origin: germline.

Blueprint Genetics
Classification: Likely benign. Last evaluated: 2024-11-25. Review status: criteria provided, single submitter. Criteria: ACMG Guidelines, 2015. Collection method: clinical testing. Allele origin: germline.

Mayo Clinic Laboratories, Mayo Clinic
Classification: Benign. Last evaluated: 2024-01-08. Review status: criteria provided, single submitter. Criteria: ACMG Guidelines, 2015. Collection method: clinical testing. Allele origin: germline. Observed: 18 variant alleles.
Comment: BS2, BP4, BP7

Fulgent Genetics
Classification: Likely benign for Autosomal dominant childhood-onset proximal spinal muscular atrophy without contractures; Charcot-Marie-Tooth disease axonal type 2O; Cortical dysplasia, complex, with other brain malformations 13. Last evaluated: 2021-10-26. Review status: criteria provided, single submitter. Criteria: ACMG Guidelines, 2015. Collection method: clinical testing. Allele origin: unknown.

GeneDx
Classification: Benign. Last evaluated: 2019-07-10. Review status: criteria provided, single submitter. Criteria: GeneDx Variant Classification Process June 2021. Collection method: clinical testing. Allele origin: germline. Affected: yes.

Illumina Laboratory Services, Illumina
Classification: Benign for Charcot-Marie-Tooth disease axonal type 2O. Last evaluated: 2018-01-12. Review status: criteria provided, single submitter. Criteria: ICSL Variant Classification Criteria 13 December 2019. Collection method: clinical testing. Allele origin: germline.
Comment: This variant was observed in the ICSL laboratory as part of a predisposition screen in an ostensibly healthy population. It had not been previously curated by ICSL or reported in the Human Gene Mutation Database (HGMD: prior to June 1st, 2018), and was therefore a candidate for classification through an automated scoring system. Utilizing variant allele frequency, disease prevalence and penetrance estimates, and inheritance mode, an automated score was calculated to assess if this variant is too frequent to cause the disease. Based on the score and internal cut-off values, a variant classified as benign is not then subjected to further curation. The score for this variant resulted in a classification of benign for this disease.

Illumina Laboratory Services, Illumina
Classification: Benign for Spinocerebellar Ataxia, Dominant. Last evaluated: 2018-01-12. Review status: criteria provided, single submitter. Criteria: ICSL Variant Classification Criteria 13 December 2019. Collection method: clinical testing. Allele origin: germline.
Comment: the same text as in the submission from Illumina Laboratory Services, Illumina above.

Eurofins Ntd Llc (ga)
Classification: Likely benign. Last evaluated: 2017-04-28. Review status: criteria provided, single submitter. Criteria: EGL Classification Definitions 2015. Collection method: clinical testing. Allele origin: germline. Observed: 1 variant allele, 1 heterozygote.

Genetic Services Laboratory, University of Chicago
Classification: Benign. Last evaluated: 2016-11-01. Review status: criteria provided, single submitter. Criteria: ACMG Guidelines, 2015. Collection method: clinical testing. Allele origin: germline. Affected: no.

Ambry Genetics
Classification: Likely benign for Inborn genetic diseases. Last evaluated: 2016-03-13. Review status: criteria provided, single submitter. Criteria: Ambry Variant Classification Scheme 2023. Collection method: clinical testing. Allele origin: germline.

Molecular Genetics Laboratory, London Health Sciences Centre
Classification: Likely benign for Charcot-Marie-Tooth disease. Review status: criteria provided, single submitter. Criteria: ACMG Guidelines, 2015. Collection method: clinical testing. Allele origin: germline. Affected: yes.

Clinical Genetics DNA and cytogenetics Diagnostics Lab, Erasmus MC, Erasmus Medical Center
Classification: Likely benign. Review status: no assertion criteria provided. Collection method: clinical testing. Allele origin: germline. Affected: yes. Study: VKGL Data-share Consensus. Not counted in ClinVar's aggregate classification.

Clinical Genetics, Academic Medical Center
Classification: Likely benign. Review status: no assertion criteria provided. Collection method: clinical testing. Allele origin: germline. Affected: yes. Study: VKGL Data-share Consensus. Not counted in ClinVar's aggregate classification.

NM_001376.5(DYNC1H1):c.7239G>T (p.Leu2413=)

Gene: DYNC1H1 (dynein cytoplasmic 1 heavy chain 1; plus strand). Cytogenetic location: 14q32.31.
Variant type: single nucleotide variant.
Coding change: c.7239G>T on transcript NM_001376.5 (MANE Select); coding-DNA position 7239, G replaced by T.
Protein change: p.Leu2413=; no amino-acid change (leucine 2413 retained).
Molecular consequence: synonymous variant.
Genome position (GRCh38, 1-based): chr14:102,015,329, G>T. VCF-style: chr14-102015329-G-T. GRCh37 (hg19) VCF-style: chr14-102481666-G-T.
Other names: p.Leu2413=.
Identifiers: ClinVar variation 210876 (VCV000210876.62), dbSNP rs138407720, ClinGen allele CA209924.